The following is an entry in ClinVar:

NM_001347721.2(DYRK1A):c.2057A>G (p.Asn686Ser)

Gene: DYRK1A (dual specificity tyrosine phosphorylation regulated kinase 1A; plus strand). Cytogenetic location: 21q22.13.
Variant type: single nucleotide variant.
Coding change: c.2057A>G on transcript NM_001347721.2 (MANE Select); coding-DNA position 2057, A replaced by G.
Protein change: p.Asn686Ser; replaces asparagine 686 with serine.
Molecular consequence: missense variant. On other transcripts: 3 prime UTR variant (2).
Genome position (GRCh38, 1-based): chr21:37,512,323, A>G. VCF-style: chr21-37512323-A-G. GRCh37 (hg19) VCF-style: chr21-38884626-A-G.
Other names: c.2057A>G, p.Asn686Ser (NM_001347722.2, NM_130436.2); c.1970A>G, p.Asn657Ser (NM_001347723.2); c.2084A>G, p.Asn695Ser (NM_001396.5); c.*460A>G (NM_101395.2); c.*369A>G (NM_130438.2); short protein forms N657S, N686S, N695S.
Identifiers: ClinVar variation 4883739 (VCV004883739.2).

ClinVar aggregate classification (germline): Uncertain significance (1 of 4 stars; one submission).

gnomAD v4.1: 3 of 1,614,238 alleles (0.00019%); highest among the groups gnomAD compares: Non-Finnish European, 0.00025%; no homozygotes.

Submission:

Dasa
Classification: Uncertain significance. Last evaluated: 2025-06-29. Review status: criteria provided, single submitter. Criteria: DASA Assertion Criteria. Collection method: clinical testing. Allele origin: germline.
Comment: NM_001347721.2(DYRK1A):c.2057A>G (p.Asn686Ser) is a missense variant that results in the substitution of asparagine with serine. This variant is rare in population databases. Computational prediction algorithms are consistent with a benign effect. The currently available literature and clinical evidence are not sufficient to establish a definitive association between this variant and the reported condition. Therefore, this variant is classified as a variant of uncertain significance.